The following is an entry in ClinVar:

ClinVar aggregate classification (germline): Likely pathogenic (1 of 4 stars; one submission).

Conditions:
Glycogen storage disease, type IV (GSD4). Also called: AMYLOPECTINOSIS; ANDERSEN DISEASE; BRANCHER DEFICIENCY; CIRRHOSIS, FAMILIAL, WITH DEPOSITION OF ABNORMAL GLYCOGEN; GBE1 DEFICIENCY; GLYCOGEN BRANCHING ENZYME DEFICIENCY. Identifiers: Orphanet 367, MedGen C0017923, MONDO:0009292, OMIM 232500.
Glycogen storage disease IV, classic hepatic. Also called: GSD IV, CLASSIC HEPATIC. Identifiers: MedGen C1856301.

Submission:

Labcorp Genetics (formerly Invitae), Labcorp
Classification: Likely pathogenic for Glycogen storage disease, type IV; Glycogen storage disease IV, classic hepatic. Last evaluated: 2021-09-21. Review status: criteria provided, single submitter. Criteria: Invitae Variant Classification Sherloc (09022015). Collection method: clinical testing. Allele origin: germline.
Comment: In summary, the currently available evidence indicates that the variant is pathogenic, but additional data are needed to prove that conclusively. Therefore, this variant has been classified as Likely Pathogenic. This variant has not been reported in the literature in individuals affected with GBE1-related conditions. This variant is not present in population databases (ExAC no frequency). This sequence change affects a splice site in intron 14 of the GBE1 gene. It is expected to disrupt RNA splicing. Variants that disrupt the donor or acceptor splice site typically lead to a loss of protein function (PMID: 16199547), and loss-of-function variants in GBE1 are known to be pathogenic (PMID: 15452297, 20058079).

Literature cited by the submitters: PubMed 16199547; PubMed 15452297; PubMed 20058079.

NM_000158.4(GBE1):c.1935-2del

Gene: GBE1 (1,4-alpha-glucan branching enzyme 1; minus strand). Cytogenetic location: 3p12.2.
Variant type: Deletion.
Coding change: c.1935-2del on transcript NM_000158.4 (MANE Select); the canonical splice acceptor site of the intron before coding-DNA position 1935, one base deleted (A; older notation c.1935-2delA).
Molecular consequence: splice acceptor variant.
Genome position (GRCh38, 1-based): chr3:81,499,229, T deleted on the plus strand (A on the coding strand, the reverse complement: GBE1 is on the minus strand). VCF-style (leftmost placement, unchanged base first): chr3-81499228-GT-G. GRCh37 (hg19) VCF-style: chr3-81548379-GT-G.
Identifiers: ClinVar variation 1476770 (VCV001476770.6), dbSNP rs2106810015, ClinGen allele CA2573137437.